The following is an entry in ClinVar:

NM_001123385.2(BCOR):c.935_936delinsCC (p.Gln312Pro)

Genes: BCOR (BCL6 corepressor; minus strand), LOC126863239 (MED14-independent group 3 enhancer GRCh37_chrX:39932994-39934193; plus strand). Cytogenetic location: Xp11.4.
Variant type: Indel.
Coding change: c.935_936delinsCC on transcript NM_001123385.2 (MANE Select); coding-DNA positions 935 to 936, AG replaced by CC.
Protein change: p.Gln312Pro; replaces glutamine 312 with proline.
Molecular consequence: missense variant.
Genome position (GRCh38, 1-based): chrX:40,074,410-40,074,411, CT replaced by GG on the plus strand (AG replaced by CC on the coding strand, the reverse complement: BCOR is on the minus strand). VCF-style: chrX-40074410-CT-GG. GRCh37 (hg19) VCF-style: chrX-39933663-CT-GG.
Other names: c.935_936delAGinsCC, p.Gln312Pro (NM_001123383.2, NM_001123385.1); c.935_936delinsCC, p.Gln312Pro (NM_001123384.2, NM_017745.6); short protein forms Q312P.
Identifiers: ClinVar variation 1878322 (VCV001878322.1), dbSNP rs2520070597, ClinGen allele CA2580100896.
Genomic context (GRCh38, chrX:40,074,410, plus strand): 5'-CAGGAGAGCTGTGTCCCCCGGCAGGCCACTGGTGACCGCCTTGGCAGAGGGAACCCTGGG[CT>GG]GCTTACTGTTCTGGATGTGAGGATAGGCGTGGGAATCAACAGGATTCCCAGGGCTGACGC-3'
Protein context (NP_001116857.1, residues 302-322): HAYPHIQNSK[Gln312Pro]PRVPSAKAVT

ClinVar aggregate classification (germline): Uncertain significance (1 of 4 stars; one submission).

Submission:

Women's Health and Genetics/Laboratory Corporation of America, LabCorp
Classification: Uncertain significance. Last evaluated: 2025-06-26. Review status: criteria provided, single submitter. Criteria: LabCorp Variant Classification Summary - May 2015. Collection method: clinical testing. Allele origin: germline.
Comment: Variant summary: BCOR c.935_936delinsCC (p.Gln312Pro) results in a non-conservative amino acid change in the encoded protein sequence. Algorithms developed to predict the effect of missense changes on protein structure and function are either unavailable or do not agree on the potential impact of this missense change. The variant was absent in 174963 control chromosomes. The available data on variant occurrences in the general population are insufficient to allow any conclusion about variant significance. To our knowledge, no occurrence of c.935_936delinsCC in individuals affected with Oculofaciocardiodental Syndrome and no experimental evidence demonstrating its impact on protein function have been reported. ClinVar contains an entry for this variant (Variation ID: 1878322). Based on the evidence outlined above, the variant was classified as uncertain significance.